The following is an entry in ClinVar:

ClinVar aggregate classification (germline): Pathogenic (1 of 4 stars; one submission).

Conditions:
Multiple congenital exostosis (EXT). Also called: Multiple osteochondromas; MULTIPLE CARTILAGINOUS EXOSTOSES; Hereditary multiple exostoses; Hereditary multiple exostosis; Hereditary multiple osteochondromas; Multiple exostoses. Identifiers: Orphanet 321, MedGen C0015306, MONDO:0005508, HP:0002762.

Submission:

Labcorp Genetics (formerly Invitae), Labcorp
Classification: Pathogenic for Multiple congenital exostosis. Last evaluated: 2023-08-10. Review status: criteria provided, single submitter. Criteria: Invitae Variant Classification Sherloc (09022015). Collection method: clinical testing. Allele origin: germline.
Comment: This variant is a gross deletion of the genomic region encompassing exon(s) 2-7 of the EXT1 gene. This deletion is out-of-frame, and is expected to create a premature termination codon and result in an absent or disrupted protein product. Loss-of-function variants in EXT1 are known to be pathogenic (PMID: 10679937, 11391482, 19810120). This variant has not been reported in the literature in individuals affected with EXT1-related conditions. For these reasons, this variant has been classified as Pathogenic.

Literature cited by the submitters: PubMed 10679937; PubMed 11391482; PubMed 19810120.

NC_000008.10:g.(?_118830654)_(118849460_?)del

Gene: EXT1 (exostosin glycosyltransferase 1; minus strand). Cytogenetic location: 8q24.11.
Variant type: Deletion.
Identifiers: ClinVar variation 1454545 (VCV001454545.4).